The following is an entry in ClinVar:

NM_001089.3(ABCA3):c.-2C>T

Gene: ABCA3 (ATP binding cassette subfamily A member 3; minus strand). Cytogenetic location: 16p13.3.
Variant type: single nucleotide variant.
Coding change: c.-2C>T on transcript NM_001089.3 (MANE Select); 2 bases upstream of the start codon, C replaced by T.
Molecular consequence: 5 prime UTR variant.
Genome position (GRCh38, 1-based): chr16:2,326,468, G>A on the plus strand (C>T on the coding strand, the complement: ABCA3 is on the minus strand). VCF-style: chr16-2326468-G-A. GRCh37 (hg19) VCF-style: chr16-2376469-G-A.
Identifiers: ClinVar variation 1318550 (VCV001318550.2), dbSNP rs760334694, ClinGen allele CA7841834.
Genomic context (GRCh38, chr16:2,326,468, plus strand): 5'-CGCACCTGCAGGGTGTAGTTCTTCCAGAGGAGGAGCGCCAGCTGCCTGAGCACAGCCATC[G>A]TCTTGCTGAAAGGGACGCCCAGTGCTAGTTACAGACCAAAGACAGAGAGTGTGGGTGCGC-3'

ClinVar aggregate classification (germline): Uncertain significance (1 of 4 stars; one submission).

Allele frequency attached by ClinVar (database versions not stated): gnomAD 0.00003; TOPMed 0.00003.
gnomAD v4.1: 23 of 1,610,532 alleles (0.0014%); highest among the groups gnomAD compares: African/African-American, 0.015%; no homozygotes.

Submission:

GeneDx
Classification: Uncertain significance. Last evaluated: 2020-01-30. Review status: criteria provided, single submitter. Criteria: GeneDx Variant Classification Process June 2021. Collection method: clinical testing. Allele origin: germline. Affected: yes.
Comment: Nucleotide substitution, which alters the consensus Kozak sequence and creates a new ATG translation start codon; in the absence of functional evidence, the actual effect on gene translation/expression is unknown; Nucleotide substitution has no predicted effect on splicing and is not conserved across species; Has not been previously published as pathogenic or benign to our knowledge